The following is an entry in ClinVar:

NM_000443.4(ABCB4):c.1480C>T (p.Arg494Cys)

Gene: ABCB4 (ATP binding cassette subfamily B member 4; minus strand). Cytogenetic location: 7q21.12.
Variant type: single nucleotide variant.
Coding change: c.1480C>T on transcript NM_000443.4 (MANE Select); coding-DNA position 1480, C replaced by T.
Protein change: p.Arg494Cys; replaces arginine 494 with cysteine.
Molecular consequence: missense variant.
Genome position (GRCh38, 1-based): chr7:87,440,279, G>A on the plus strand (C>T on the coding strand, the complement: ABCB4 is on the minus strand). VCF-style: chr7-87440279-G-A. GRCh37 (hg19) VCF-style: chr7-87069595-G-A.
Other names: c.1480C>T, p.Arg494Cys (NM_018849.3, NM_018850.3); short protein forms R494C.
Identifiers: ClinVar variation 4981961 (VCV004981961.1).
Genomic context (GRCh38, chr7:87,440,279, plus strand): 5'-ACTCATAGGCGTTGGCCTCTTTGACAGCTTTCTTTATCTCATCCATGGTTACATTTCCAC[G>A]GCCATAACAAATATTTTCAGCAATTGTGGTGGAAAACAGCACCGGCTCCTGACTCACCAC-3'
Protein context (NP_000434.1, residues 484-504): TTIAENICYG[Arg494Cys]GNVTMDEIKK

ClinVar aggregate classification (germline): Uncertain significance (1 of 4 stars; one submission).

Conditions:
ABCB4-related disorder. Also called: ABCB4-related disorders; ABCB4-related condition.

gnomAD v4.1: 28 of 1,613,908 alleles (0.0017%); highest among the groups gnomAD compares: East Asian, 0.018%; no homozygotes.

Submission:

PreventionGenetics, part of Exact Sciences
Classification: Uncertain significance for ABCB4-related condition. Last evaluated: 2025-12-03. Review status: criteria provided, single submitter. Criteria: ACMG Guidelines, 2015. Collection method: clinical testing. Allele origin: germline.
Comment: The ABCB4 c.1480C>T variant is predicted to result in the amino acid substitution p.Arg494Cys. To our knowledge, this variant has not been reported in the literature. This variant is reported in 0.0016% of alleles in individuals of European (Non-Finnish) descent in gnomAD. At this time, the clinical significance of this variant is uncertain due to the absence of conclusive functional and genetic evidence.